The following is an entry in ClinVar:

ClinVar aggregate classification (germline): Uncertain significance. Review status: criteria provided, multiple submitters, no conflicts (2 of 4 stars). 3 submissions from 3 submitters: Uncertain significance (3). Last evaluated 2024-05-30.

Conditions:
Arrhythmogenic cardiomyopathy with wooly hair and keratoderma. Also called: Dilated cardiomyopathy with woolly hair and keratoderma; PALMOPLANTAR KERATODERMA WITH LEFT VENTRICULAR CARDIOMYOPATHY AND WOOLLY HAIR; Carvajal syndrome; Arrhythmogenic cardiomyopathy with woolly hair and keratoderma. Identifiers: Orphanet 65282, MedGen C1854063, MONDO:0011581, OMIM 605676.
Arrhythmogenic right ventricular dysplasia 8 (ARVD8). Also called: Arrhythmogenic Right Ventricular Dysplasia/Cardiomyopathy 8; ARRHYTHMOGENIC RIGHT VENTRICULAR DYSPLASIA, FAMILIAL, 8; ARRHYTHMOGENIC RIGHT VENTRICULAR CARDIOMYOPATHY 8. Identifiers: MedGen C1843896, MONDO:0011831, OMIM 607450.
Cardiomyopathy (CMYO). Also called: Cardiomyopathies. Identifiers: Orphanet 167848, MedGen C0878544, MONDO:0004994, HP:0001638. Inheritance: Various modes of inheritance.

Submissions (3):

All of Us Research Program, National Institutes of Health
Classification: Uncertain significance for Arrhythmogenic cardiomyopathy with wooly hair and keratoderma. Last evaluated: 2024-05-30. Review status: criteria provided, single submitter. Criteria: ACMG Guidelines, 2015. Collection method: clinical testing. Allele origin: germline. Inheritance: Autosomal dominant inheritance. Observed: 1 variant allele, 1 heterozygote.
Comment: This missense variant replaces glutamic acid with glutamine at codon 1652 of the DSP protein. Computational prediction suggests that this variant may not impact protein structure and function (internally defined REVEL score threshold <= 0.5, PMID: 27666373). To our knowledge, functional studies have not been reported for this variant. This variant has not been reported in individuals affected with cardiovascular disorders in the literature. This variant has not been identified in the general population by the Genome Aggregation Database (gnomAD). The available evidence is insufficient to determine the role of this variant in disease conclusively. Therefore, this variant is classified as a Variant of Uncertain Significance.

This study involves interpretation of variants in research participants for the purpose of population health screening. Participant phenotype was not available at the time of variant classification. Additional details can be found in publication PMID: 35346344, PMCID: PMC8962531

Color Diagnostics, LLC DBA Color Health
Classification: Uncertain significance for Cardiomyopathy. Last evaluated: 2024-03-06. Review status: criteria provided, single submitter. Criteria: ACMG Guidelines, 2015. Collection method: clinical testing. Allele origin: germline.
Comment: This missense variant replaces glutamic acid with glutamine at codon 1652 of the DSP protein. Computational prediction suggests that this variant may not impact protein structure and function (internally defined REVEL score threshold <= 0.5, PMID: 27666373). To our knowledge, functional studies have not been reported for this variant. This variant has not been reported in individuals affected with cardiovascular disorders in the literature. This variant has not been identified in the general population by the Genome Aggregation Database (gnomAD). The available evidence is insufficient to determine the role of this variant in disease conclusively. Therefore, this variant is classified as a Variant of Uncertain Significance.

Labcorp Genetics (formerly Invitae), Labcorp
Classification: Uncertain significance for Arrhythmogenic cardiomyopathy with wooly hair and keratoderma; Arrhythmogenic right ventricular dysplasia 8. Last evaluated: 2022-07-26. Review status: criteria provided, single submitter. Criteria: Invitae Variant Classification Sherloc (09022015). Collection method: clinical testing. Allele origin: germline.
Comment: In summary, the available evidence is currently insufficient to determine the role of this variant in disease. Therefore, it has been classified as a Variant of Uncertain Significance. Algorithms developed to predict the effect of missense changes on protein structure and function (SIFT, PolyPhen-2, Align-GVGD) all suggest that this variant is likely to be tolerated. ClinVar contains an entry for this variant (Variation ID: 1172196). This variant has not been reported in the literature in individuals affected with DSP-related conditions. This variant is not present in population databases (gnomAD no frequency). This sequence change replaces glutamic acid, which is acidic and polar, with glutamine, which is neutral and polar, at codon 1652 of the DSP protein (p.Glu1652Gln).

NM_004415.4(DSP):c.4954G>C (p.Glu1652Gln)

Gene: DSP (desmoplakin; plus strand). Cytogenetic location: 6p24.3.
Variant type: single nucleotide variant.
Coding change: c.4954G>C on transcript NM_004415.4 (MANE Select); coding-DNA position 4954, G replaced by C.
Protein change: p.Glu1652Gln; replaces glutamic acid 1652 with glutamine.
Molecular consequence: missense variant. On other transcripts: intron variant (2).
Genome position (GRCh38, 1-based): chr6:7,581,144, G>C. VCF-style: chr6-7581144-G-C. GRCh37 (hg19) VCF-style: chr6-7581377-G-C.
Other names: c.4050+904G>C (NM_001319034.2); c.3582+1372G>C (NM_001008844.3); short protein forms E1652Q.
Identifiers: ClinVar variation 1172196 (VCV001172196.9), dbSNP rs267601119, ClinGen allele CA362687524.